The following is an entry in ClinVar:

NM_000179.3(MSH6):c.98G>C (p.Arg33Pro)

Gene: MSH6 (mutS homolog 6; plus strand). Cytogenetic location: 2p16.3.
Variant type: single nucleotide variant.
Coding change: c.98G>C on transcript NM_000179.3 (MANE Select); coding-DNA position 98, G replaced by C.
Protein change: p.Arg33Pro; replaces arginine 33 with proline.
Molecular consequence: missense variant. On other transcripts: 5 prime UTR variant (1).
Genome position (GRCh38, 1-based): chr2:47,783,331, G>C. VCF-style: chr2-47783331-G-C. GRCh37 (hg19) VCF-style: chr2-48010470-G-C.
Other names: c.98G>C, p.Arg33Pro (NM_001281492.2); c.-639G>C (NM_001281493.2); short protein forms R33P.
Identifiers: ClinVar variation 237219 (VCV000237219.24), dbSNP rs878853751, ClinGen allele CA10582031.

ClinVar aggregate classification (germline): Conflicting classifications of pathogenicity. Review status: criteria provided, conflicting classifications (1 of 4 stars). 8 submissions from 8 submitters: Uncertain significance (7); Likely benign (1). Last evaluated 2026-01-05.

Conditions:
MSH6-related disorder. Also called: MSH6-Related disorders; MSH6-related condition.
Hereditary nonpolyposis colorectal neoplasms. Identifiers: MedGen C0009405, MeSH D003123.
Lynch syndrome. Identifiers: Orphanet 144, MedGen C4552100, MONDO:0005835. Disease mechanism: loss of function.
Hereditary cancer-predisposing syndrome. Also called: Hereditary neoplastic syndrome; Hereditary Cancer Syndrome; Neoplastic Syndromes, Hereditary; Tumor predisposition. Identifiers: Orphanet 140162, MedGen C0027672, MeSH D009386, MONDO:0015356.
Endometrial carcinoma. Also called: Endometrial carcinoma, somatic. Identifiers: MedGen C0476089, MONDO:0002447, OMIM 608089, HP:0012114.
Lynch syndrome 5 (LYNCH5). Also called: Hereditary non-polyposis colorectal cancer, type 5; Colorectal cancer, hereditary nonpolyposis, type 5. Identifiers: Orphanet 144, MedGen C1833477, MONDO:0013710, OMIM 614350. Disease mechanism: loss of function.

Allele frequency attached by ClinVar (database versions not stated): gnomAD 0.00001.
gnomAD v4.1: 3 of 1,609,774 alleles (0.00019%); highest among the groups gnomAD compares: Admixed American, 0.0017%; no homozygotes.

Submissions (8):

Labcorp Genetics (formerly Invitae), Labcorp
Classification: Uncertain significance for Hereditary nonpolyposis colorectal neoplasms. Last evaluated: 2026-01-05. Review status: criteria provided, single submitter. Criteria: Invitae Variant Classification Sherloc (09022015). Collection method: clinical testing. Allele origin: germline.
Comment: This sequence change replaces arginine, which is basic and polar, with proline, which is neutral and non-polar, at codon 33 of the MSH6 protein (p.Arg33Pro). This variant is not present in population databases (gnomAD no frequency). This missense change has been observed in individual(s) with colorectal cancer (PMID: 23523604). ClinVar contains an entry for this variant (Variation ID: 237219). Invitae Evidence Modeling of protein sequence and biophysical properties (such as structural, functional, and spatial information, amino acid conservation, physicochemical variation, residue mobility, and thermodynamic stability) indicates that this missense variant is not expected to disrupt MSH6 protein function with a negative predictive value of 95%. In summary, the available evidence is currently insufficient to determine the role of this variant in disease. Therefore, it has been classified as a Variant of Uncertain Significance.

Ambry Genetics
Classification: Uncertain significance for Hereditary cancer-predisposing syndrome. Last evaluated: 2025-11-26. Review status: criteria provided, single submitter. Criteria: Ambry Variant Classification Scheme 2023. Collection method: clinical testing. Allele origin: germline.
Comment: The p.R33P variant (also known as c.98G>C), located in coding exon 1 of the MSH6 gene, results from a G to C substitution at nucleotide position 98. The arginine at codon 33 is replaced by proline, an amino acid with dissimilar properties. This amino acid position is poorly conserved in available vertebrate species. In addition, this alteration is predicted to be tolerated by in silico analysis. Since supporting evidence is limited at this time, the clinical significance of this alteration remains unclear.

Myriad Genetics, Inc.
Classification: Likely benign for Lynch syndrome 5. Last evaluated: 2024-04-29. Review status: criteria provided, single submitter. Criteria: Myriad Autosomal Dominant, Autosomal Recessive and X-Linked Classification Criteria (2023). Collection method: clinical testing. Allele origin: unknown.
Comment: This variant is considered likely benign. Homozygosity for this variant has been confirmed in one or more individuals lacking clinical features consistent with gene-specific recessive disease, indicating that this variant is unlikely to be pathogenic.

All of Us Research Program, National Institutes of Health
Classification: Uncertain significance for Lynch syndrome. Last evaluated: 2023-10-06. Review status: criteria provided, single submitter. Criteria: ACMG Guidelines, 2015. Collection method: clinical testing. Allele origin: germline. Inheritance: Autosomal dominant inheritance. Observed: 1 variant allele, 1 heterozygote.
Comment: This missense variant replaces arginine with proline at codon 33 of the MSH6 protein. Computational prediction suggests that this variant may not impact protein structure and function (internally defined REVEL score threshold <= 0.5, PMID: 27666373). To our knowledge, functional studies have not been reported for this variant. This variant has been reported in an individual with early-onset colorectal cancer with no other cancer history in the family (PMID: 23523604). The proband's tumor showed microsatellite stability. This variant has not been identified in the general population by the Genome Aggregation Database (gnomAD). The available evidence is insufficient to determine the role of this variant in disease conclusively. Therefore, this variant is classified as a Variant of Uncertain Significance.

This study involves interpretation of variants in research participants for the purpose of population health screening. Participant phenotype was not available at the time of variant classification. Additional details can be found in publication PMID: 35346344, PMCID: PMC8962531

Color Diagnostics, LLC DBA Color Health
Classification: Uncertain significance for Hereditary cancer-predisposing syndrome. Last evaluated: 2023-09-20. Review status: criteria provided, single submitter. Criteria: ACMG Guidelines, 2015. Collection method: clinical testing. Allele origin: germline.
Comment: This missense variant replaces arginine with proline at codon 33 of the MSH6 protein. Computational prediction suggests that this variant may not impact protein structure and function (internally defined REVEL score threshold <= 0.5, PMID: 27666373). To our knowledge, functional studies have not been reported for this variant. This variant has been reported in an individual with early-onset colorectal cancer with no other cancer history in the family (PMID: 23523604). The proband's tumor showed microsatellite stability. This variant has not been identified in the general population by the Genome Aggregation Database (gnomAD). The available evidence is insufficient to determine the role of this variant in disease conclusively. Therefore, this variant is classified as a Variant of Uncertain Significance.

Baylor Genetics
Classification: Uncertain significance for Endometrial carcinoma. Last evaluated: 2023-08-20. Review status: criteria provided, single submitter. Criteria: ACMG Guidelines, 2015. Collection method: clinical testing. Allele origin: unknown.

PreventionGenetics, part of Exact Sciences
Classification: Uncertain significance for MSH6-related condition. Last evaluated: 2023-01-30. Review status: criteria provided, single submitter. Criteria: ACMG Guidelines, 2015. Collection method: clinical testing. Allele origin: germline.
Comment: The MSH6 c.98G>C variant is predicted to result in the amino acid substitution p.Arg33Pro. This variant was reported in at least one individual with colorectal cancer (Pérez-Cabornero et al. 2013. PubMed ID: 23523604). This variant has not been reported in a large population database, indicating this variant is rare, and is reported as a variant of uncertain significance in ClinVar. At this time, the clinical significance of this variant is uncertain due to the absence of conclusive functional and genetic evidence.

GeneDx
Classification: Uncertain significance. Last evaluated: 2016-05-02. Review status: criteria provided, single submitter. Criteria: GeneDx Variant Classification (06012015). Collection method: clinical testing. Allele origin: germline. Affected: yes.
Comment: This variant is denoted MSH6 c.98G>C at the cDNA level, p.Arg33Pro (R33P) at the protein level, and results in the change of an Arginine to a Proline (CGT>CCT). This variant was observed in at least one individual with early-onset colorectal cancer whose tumor was microsatellite stable (PÃ©rez-Cabornero 2013). MSH6 Arg33Pro was not observed in approximately 6,100 individuals of European and African American ancestry in the NHLBI Exome Sequencing Project, suggesting it is not a common benign variant in these populations. Since Arginine and Proline differ in polarity, charge, size or other properties, this is considered a non-conservative amino acid substitution. MSH6 Arg33Pro occurs at a position that is not conserved and is not located in a known functional domain (Terui 2013). In silico analyses predict that this variant is unlikely to alter protein structure or function. Based on currently available evidence, it is unclear whether MSH6 Arg33Pro is a pathogenic or benign variant. We consider it to be a variant of uncertain significance.

Literature cited by the submitters: PubMed 23523604 (cited by 3 submitters).